The following is an entry in ClinVar:

NM_000553.6(WRN):c.944T>C (p.Leu315Ser)

Gene: WRN (WRN RecQ like helicase; plus strand). Cytogenetic location: 8p12.
Variant type: single nucleotide variant.
Coding change: c.944T>C on transcript NM_000553.6 (MANE Select); coding-DNA position 944, T replaced by C.
Protein change: p.Leu315Ser; replaces leucine 315 with serine.
Molecular consequence: missense variant.
Genome position (GRCh38, 1-based): chr8:31,080,971, T>C. VCF-style: chr8-31080971-T-C. GRCh37 (hg19) VCF-style: chr8-30938487-T-C.
Other names: short protein forms L315S.
Identifiers: ClinVar variation 3348922 (VCV003348922.1).

ClinVar aggregate classification (germline): Uncertain significance (0 of 4 stars; one submission).

Conditions:
WRN-related disorder. Also called: WRN-related condition.

Submission:

PreventionGenetics, part of Exact Sciences
Classification: Uncertain significance for WRN-related condition. Last evaluated: 2024-03-20. Review status: no assertion criteria provided. Collection method: clinical testing. Allele origin: germline.
Comment: The WRN c.944T>C variant is predicted to result in the amino acid substitution p.Leu315Ser. To our knowledge, this variant has not been reported in the literature or in a large population database, indicating this variant is rare. At this time, the clinical significance of this variant is uncertain due to the absence of conclusive functional and genetic evidence.